The following is an entry in ClinVar:

NM_004958.4(MTOR):c.6179G>A (p.Arg2060Gln)

Gene: MTOR (mechanistic target of rapamycin kinase; minus strand). Cytogenetic location: 1p36.22.
Variant type: single nucleotide variant.
Coding change: c.6179G>A on transcript NM_004958.4 (MANE Select); coding-DNA position 6179, G replaced by A.
Protein change: p.Arg2060Gln; replaces arginine 2060 with glutamine.
Molecular consequence: missense variant.
Genome position (GRCh38, 1-based): chr1:11,127,661, C>T on the plus strand (G>A on the coding strand, the complement: MTOR is on the minus strand). VCF-style: chr1-11127661-C-T. GRCh37 (hg19) VCF-style: chr1-11187718-C-T.
Other names: c.6179G>A (NM_004958.3); short protein forms R2060Q.
Identifiers: ClinVar variation 1006136 (VCV001006136.9), dbSNP rs1291168931, ClinGen allele CA338393110.

ClinVar aggregate classification (germline): Uncertain significance. Review status: criteria provided, multiple submitters, no conflicts (2 of 4 stars). 2 submissions from 2 submitters: Uncertain significance (2). Last evaluated 2024-10-09.

Conditions:
Inborn genetic diseases. Identifiers: MedGen C0950123, MeSH D030342.

Allele frequency attached by ClinVar (database versions not stated): gnomAD 0.00001 and 0.00002; gnomAD exomes 0.00001 and 0.00002; TOPMed 0.00001.
gnomAD v4.1: 30 of 1,614,010 alleles (0.0019%); highest among the groups gnomAD compares: Non-Finnish European, 0.0023%; no homozygotes.

Submissions (2):

Ambry Genetics
Classification: Uncertain significance for Inborn genetic diseases. Last evaluated: 2024-10-09. Review status: criteria provided, single submitter. Criteria: Ambry Variant Classification Scheme 2023. Collection method: clinical testing. Allele origin: germline.

Labcorp Genetics (formerly Invitae), Labcorp
Classification: Uncertain significance. Last evaluated: 2020-08-07. Review status: criteria provided, single submitter. Criteria: Invitae Variant Classification Sherloc (09022015). Collection method: clinical testing. Allele origin: germline.
Comment: Algorithms developed to predict the effect of sequence changes on RNA splicing suggest that this variant may create or strengthen a splice site, but this prediction has not been confirmed by published transcriptional studies. Advanced modeling of protein sequence and biophysical properties (such as structural, functional, and spatial information, amino acid conservation, physicochemical variation, residue mobility, and thermodynamic stability) performed at Invitae indicates that this missense variant is not expected to disrupt MTOR protein function. This variant has not been reported in the literature in individuals with MTOR-related conditions. This variant is not present in population databases (ExAC no frequency). This sequence change replaces arginine with glutamine at codon 2060 of the MTOR protein (p.Arg2060Gln). The arginine residue is moderately conserved and there is a small physicochemical difference between arginine and glutamine. In summary, the available evidence is currently insufficient to determine the role of this variant in disease. Therefore, it has been classified as a Variant of Uncertain Significance.